The following is an entry in ClinVar:

NM_176824.3(BBS7):c.1717A>G (p.Ile573Val)

Gene: BBS7 (Bardet-Biedl syndrome 7; minus strand). Cytogenetic location: 4q27.
Variant type: single nucleotide variant.
Coding change: c.1717A>G on transcript NM_176824.3 (MANE Select); coding-DNA position 1717, A replaced by G.
Protein change: p.Ile573Val; replaces isoleucine 573 with valine.
Molecular consequence: missense variant.
Genome position (GRCh38, 1-based): chr4:121,828,688, T>C on the plus strand (A>G on the coding strand, the complement: BBS7 is on the minus strand). VCF-style: chr4-121828688-T-C. GRCh37 (hg19) VCF-style: chr4-122749843-T-C.
Other names: c.1717A>G, p.Ile573Val (NM_018190.4); c.1717A>G (NM_176824.2); short protein forms I573V.
Identifiers: ClinVar variation 1388400 (VCV001388400.6), dbSNP rs751029709, ClinGen allele CA3064149.

ClinVar aggregate classification (germline): Uncertain significance. Review status: criteria provided, multiple submitters, no conflicts (2 of 4 stars). 3 submissions from 3 submitters: Uncertain significance (3). Last evaluated 2026-06-08.

Conditions:
Bardet-Biedl syndrome (BBS). Identifiers: Orphanet 110, MedGen C0752166, MONDO:0015229.
BBS7-related disorder. Also called: BBS7-related condition.
Bardet-Biedl syndrome 7 (BBS7). Identifiers: Orphanet 110, MedGen C1859565, MONDO:0014435, OMIM 615984.

Allele frequency attached by ClinVar (database versions not stated): gnomAD 0.00001; gnomAD exomes 0.00001 and 0.00003; TOPMed 0.00002; ExAC 0.00005.
gnomAD v4.1: 16 of 1,608,290 alleles (0.00099%); highest among the groups gnomAD compares: East Asian, 0.0067%; no homozygotes.

Submissions (3):

PreventionGenetics, part of Exact Sciences
Classification: Uncertain significance for BBS7-related condition. Last evaluated: 2026-06-08. Review status: criteria provided, single submitter. Criteria: ACMG Guidelines, 2015. Collection method: clinical testing. Allele origin: germline.
Comment: The BBS7 c.1717A>G variant is predicted to result in the amino acid substitution p.Ile573Val. To our knowledge, this variant has not been reported in the literature. This variant is reported in 0.022% of alleles in individuals of East Asian descent in gnomAD. At this time, the clinical significance of this variant is uncertain due to the absence of conclusive functional and genetic evidence.

Fulgent Genetics
Classification: Uncertain significance for Bardet-Biedl syndrome 7. Last evaluated: 2024-03-12. Review status: criteria provided, single submitter. Criteria: ACMG Guidelines, 2015. Collection method: clinical testing. Allele origin: germline.

Labcorp Genetics (formerly Invitae), Labcorp
Classification: Uncertain significance for Bardet-Biedl syndrome. Last evaluated: 2022-07-22. Review status: criteria provided, single submitter. Criteria: Invitae Variant Classification Sherloc (09022015). Collection method: clinical testing. Allele origin: germline.
Comment: This sequence change replaces isoleucine, which is neutral and non-polar, with valine, which is neutral and non-polar, at codon 573 of the BBS7 protein (p.Ile573Val). This variant is present in population databases (rs751029709, gnomAD 0.02%). This variant has not been reported in the literature in individuals affected with BBS7-related conditions. ClinVar contains an entry for this variant (Variation ID: 1388400). Algorithms developed to predict the effect of missense changes on protein structure and function (SIFT, PolyPhen-2, Align-GVGD) all suggest that this variant is likely to be disruptive. In summary, the available evidence is currently insufficient to determine the role of this variant in disease. Therefore, it has been classified as a Variant of Uncertain Significance.